The following is an entry in ClinVar:

ClinVar aggregate classification (germline): Benign. Review status: criteria provided, multiple submitters, no conflicts (2 of 4 stars). 5 submissions from 5 submitters: Benign (3). 2 of the submissions do not count toward it. Last evaluated 2026-02-03.

Conditions:
Episodic ataxia type 2 (EA2). Also called: ATAXIA, EPISODIC, WITH NYSTAGMUS; ATAXIA, FAMILIAL PAROXYSMAL; CEREBELLAR ATAXIA, PAROXYSMAL, ACETAZOLAMIDE-RESPONSIVE; CEREBELLOPATHY, HEREDITARY PAROXYSMAL; EPISODIC ATAXIA, NYSTAGMUS-ASSOCIATED; ACETAZOLAMIDE-RESPONSIVE HEREDITARY PAROXYSMAL CEREBELLAR ATAXIA. Identifiers: Orphanet 97, MedGen C1720416, MONDO:0007163, OMIM 108500.
Developmental and epileptic encephalopathy, 42 (DEE42A). Also called: Epileptic encephalopathy, early infantile, 42; DEVELOPMENTAL AND EPILEPTIC ENCEPHALOPATHY 42A; EPILEPTIC ENCEPHALOPATHY, EARLY INFANTILE, 42A. Identifiers: MedGen C4310716, MONDO:0014917, OMIM 617106.

Allele frequency attached by ClinVar (database versions not stated): gnomAD exomes 0.00901; ExAC 0.01147; gnomAD 0.03460 and 0.03727; ESP Exome Variant Server 0.03510; 1000 Genomes Project 0.03594; TOPMed 0.03865; 1000 Genomes Project 30x 0.03873.

Submissions (5):

Labcorp Genetics (formerly Invitae), Labcorp
Classification: Benign for Developmental and epileptic encephalopathy, 42; Episodic ataxia type 2. Last evaluated: 2026-02-03. Review status: criteria provided, single submitter. Criteria: Invitae Variant Classification Sherloc (09022015). Collection method: clinical testing. Allele origin: germline.

GeneDx
Classification: Benign. Last evaluated: 2016-01-23. Review status: criteria provided, single submitter. Criteria: GeneDx Variant Classification (06012015). Collection method: clinical testing. Allele origin: germline. Affected: yes.
Comment: This variant is considered likely benign or benign based on one or more of the following criteria: it is a conservative change, it occurs at a poorly conserved position in the protein, it is predicted to be benign by multiple in silico algorithms, and/or has population frequency not consistent with disease.

Breakthrough Genomics
Classification: Benign. Review status: criteria provided, single submitter. Criteria: ACMG Guidelines, 2015. Collection method: not provided. Allele origin: germline. Inheritance: Autosomal dominant inheritance. Affected: yes.

Clinical Genetics DNA and cytogenetics Diagnostics Lab, Erasmus MC, Erasmus Medical Center
Classification: Benign. Review status: no assertion criteria provided. Collection method: clinical testing. Allele origin: germline. Affected: yes. Study: VKGL Data-share Consensus. Not counted in ClinVar's aggregate classification.

Laboratory of Diagnostic Genome Analysis, Leiden University Medical Center (LUMC)
Classification: Likely benign. Review status: no assertion criteria provided. Collection method: clinical testing. Allele origin: germline. Affected: yes. Study: VKGL Data-share Consensus. Not counted in ClinVar's aggregate classification.

NM_001127222.2(CACNA1A):c.1782-20C>T

Gene: CACNA1A (calcium voltage-gated channel subunit alpha1 A; minus strand). Cytogenetic location: 19p13.13.
Variant type: single nucleotide variant.
Coding change: c.1782-20C>T on transcript NM_001127222.2 (MANE Select); 20 bases into the intron before coding-DNA position 1782, C replaced by T.
Molecular consequence: intron variant.
Genome position (GRCh38, 1-based): chr19:13,308,271, G>A on the plus strand (C>T on the coding strand, the complement: CACNA1A is on the minus strand). VCF-style: chr19-13308271-G-A. GRCh37 (hg19) VCF-style: chr19-13419085-G-A.
Other names: c.1785-20C>T (NM_001127221.2, NM_001174080.2, NM_000068.4 and 1 more transcripts).
Identifiers: ClinVar variation 382893 (VCV000382893.13), dbSNP rs73513425, ClinGen allele CA9240723.